The following is an entry in ClinVar:

NM_005562.3(LAMC2):c.3459G>A (p.Arg1153=)

Gene: LAMC2 (laminin subunit gamma 2; plus strand). Cytogenetic location: 1q25.3.
Variant type: single nucleotide variant.
Coding change: c.3459G>A on transcript NM_005562.3 (MANE Select); coding-DNA position 3459, G replaced by A.
Protein change: p.Arg1153=; no amino-acid change (arginine 1153 retained).
Molecular consequence: synonymous variant.
Genome position (GRCh38, 1-based): chr1:183,243,277, G>A. VCF-style: chr1-183243277-G-A. GRCh37 (hg19) VCF-style: chr1-183212412-G-A.
Identifiers: ClinVar variation 294022 (VCV000294022.17), dbSNP rs140649374, ClinGen allele CA1283260.
Genomic context (GRCh38, chr1:183,243,277, plus strand): 5'-GATCAACAGCCAACTGCGGCCCATGATGTCAGAGCTGGAAGAGAGGGCACGTCAGCAGAG[G>A]GGCCACCTCCATTTGCTGGAGACAAGCATAGATGGGATTCTGGCTGATGTGAAGAACTTG-3'
Protein context (NP_005553.2, residues 1143-1163): SELEERARQQ[Arg1153=]GHLHLLETSI

ClinVar aggregate classification (germline): Conflicting classifications of pathogenicity. Review status: criteria provided, conflicting classifications (1 of 4 stars). 3 submissions from 3 submitters: Uncertain significance (1); Benign (1). 1 of the submissions does not count toward it. Last evaluated 2026-01-20.

Conditions:
Junctional epidermolysis bullosa. Identifiers: Orphanet 305, MedGen C0079301, MONDO:0017612.
LAMC2-related disorder. Also called: LAMC2-related condition.

Allele frequency attached by ClinVar (database versions not stated): ExAC 0.00129; gnomAD exomes 0.00135 and 0.00195; ESP Exome Variant Server 0.00146; TOPMed 0.00147; gnomAD 0.00150.
gnomAD v4.1: 3,070 of 1,614,178 alleles (0.19%); highest among the groups gnomAD compares: Non-Finnish European, 0.24%; 4 homozygotes.

Submissions (3):

Labcorp Genetics (formerly Invitae), Labcorp
Classification: Benign. Last evaluated: 2026-01-20. Review status: criteria provided, single submitter. Criteria: Invitae Variant Classification Sherloc (09022015). Collection method: clinical testing. Allele origin: germline.

Illumina Laboratory Services, Illumina
Classification: Uncertain significance for Junctional epidermolysis bullosa. Last evaluated: 2018-01-13. Review status: criteria provided, single submitter. Criteria: ICSL Variant Classification Criteria 13 December 2019. Collection method: clinical testing. Allele origin: germline.

PreventionGenetics, part of Exact Sciences
Classification: Likely benign for LAMC2-related condition. Last evaluated: 2019-05-24. Review status: no assertion criteria provided. Collection method: clinical testing. Allele origin: germline. Not counted in ClinVar's aggregate classification.
Comment: This variant is classified as likely benign based on ACMG/AMP sequence variant interpretation guidelines (Richards et al. 2015 PMID: 25741868, with internal and published modifications).